The following is an entry in ClinVar:

ClinVar aggregate classification (germline): Likely benign (1 of 4 stars; one submission).

Conditions:
ACTN4-related disorder. Also called: ACTN4-related condition.

gnomAD v4.1: 24 of 1,613,610 alleles (0.0015%); highest among the groups gnomAD compares: Admixed American, 0.0033%; no homozygotes.

Submission:

PreventionGenetics, part of Exact Sciences
Classification: Likely benign for ACTN4-related condition. Last evaluated: 2024-12-22. Review status: criteria provided, single submitter. Criteria: ACMG Guidelines, 2015. Collection method: clinical testing. Allele origin: germline.
Comment: This variant is classified as likely benign based on ACMG/AMP sequence variant interpretation guidelines (Richards et al. 2015 PMID: 25741868, with internal and published modifications).

NM_004924.6(ACTN4):c.1419C>T (p.Ile473=)

Gene: ACTN4 (actinin alpha 4; plus strand). Cytogenetic location: 19q13.2.
Variant type: single nucleotide variant.
Coding change: c.1419C>T on transcript NM_004924.6 (MANE Select); coding-DNA position 1419, C replaced by T.
Protein change: p.Ile473=; no amino-acid change (isoleucine 473 retained).
Molecular consequence: synonymous variant.
Genome position (GRCh38, 1-based): chr19:38,721,665, C>T. VCF-style: chr19-38721665-C-T. GRCh37 (hg19) VCF-style: chr19-39212305-C-T.
Other names: c.1419C>T, p.Ile473= (NM_001322033.2, NM_001411143.1, NM_001440296.1 and 2 more transcripts); c.1167C>T, p.Ile389= (NM_001440299.1).
Identifiers: ClinVar variation 4986435 (VCV004986435.1).